The following is an entry in ClinVar:

ClinVar aggregate classification (germline): Likely benign. Review status: criteria provided, multiple submitters, no conflicts (2 of 4 stars). 2 submissions from 2 submitters: Likely benign (2). Last evaluated 2024-01-17.

Conditions:
Multiple endocrine neoplasia, type 2 (MEN2). Identifiers: Orphanet 653, MedGen C4048306, MONDO:0019003. Disease mechanism: gain of function.

Allele frequency attached by ClinVar (database versions not stated): gnomAD exomes below 0.00001.
gnomAD v4.1: 1 of 1,613,024 alleles (0.000062%); highest among the groups gnomAD compares: Non-Finnish European, 0.000085%; no homozygotes.

Submissions (2):

Labcorp Genetics (formerly Invitae), Labcorp
Classification: Likely benign for Multiple endocrine neoplasia, type 2. Last evaluated: 2024-01-17. Review status: criteria provided, single submitter. Criteria: Invitae Variant Classification Sherloc (09022015). Collection method: clinical testing. Allele origin: germline.

All of Us Research Program, National Institutes of Health
Classification: Likely benign for Multiple endocrine neoplasia, type 2. Last evaluated: 2023-06-08. Review status: criteria provided, single submitter. Criteria: ACMG Guidelines, 2015. Collection method: clinical testing. Allele origin: germline. Inheritance: Autosomal dominant inheritance. Observed: 1 variant allele, 1 heterozygote.
Comment: This study involves interpretation of variants in research participants for the purpose of population health screening. Participant phenotype was not available at the time of variant classification. Additional details can be found in publication PMID: 35346344, PMCID: PMC8962531

NM_020975.6(RET):c.2019G>A (p.Glu673=)

Gene: RET (ret proto-oncogene; plus strand). Cytogenetic location: 10q11.21.
Variant type: single nucleotide variant.
Coding change: c.2019G>A on transcript NM_020975.6 (MANE Select); coding-DNA position 2019, G replaced by A.
Protein change: p.Glu673=; no amino-acid change (glutamic acid 673 retained).
Molecular consequence: synonymous variant.
Genome position (GRCh38, 1-based): chr10:43,114,619, G>A. VCF-style: chr10-43114619-G-A. GRCh37 (hg19) VCF-style: chr10-43610067-G-A.
Other names: c.2019G>A, p.Glu673= (NM_001406744.1, NM_001406759.1, NM_001406760.1 and 4 more transcripts); c.1890G>A, p.Glu630= (NM_001406761.1, NM_001406762.1, NM_001406764.1); c.1884G>A, p.Glu628= (NM_001406763.1, NM_001406765.1); c.1731G>A, p.Glu577= (NM_001406766.1, NM_001406767.1, NM_001406770.1); c.1755G>A, p.Glu585= (NM_001406768.1); c.1623G>A, p.Glu541= (NM_001406769.1, NM_001406772.1); c.1581G>A, p.Glu527= (NM_001406771.1, NM_001406773.1); c.1494G>A, p.Glu498= (NM_001406774.1); and 10 more.
Identifiers: ClinVar variation 2709785 (VCV002709785.4), dbSNP rs2132850336, ClinGen allele CA469479855.
Genomic context (GRCh38, chr10:43,114,619, plus strand): 5'-TGCCTTCTGCATCCACTGCTACCACAAGTTTGCCCACAAGCCACCCATCTCCTCAGCTGA[G>A]ATGACCTTCCGGAGGCCCGCCCAGGCCTTCCCGGTCAGCTACTCCTCTTCCGGTGCCCGC-3'
Protein context (NP_066124.1, residues 663-683): FAHKPPISSA[Glu673=]MTFRRPAQAF